The following is an entry in ClinVar:

ClinVar aggregate classification (germline): Uncertain significance (1 of 4 stars; one submission).

Conditions:
Weill-Marchesani syndrome 1 (WMS1). Also called: Weill-Marchesani Syndrome, Autosomal Recessive; Weill-Marchesani syndrome 1, recessive; ADAMTS10-Related Weill-Marchesani Syndrome. Identifiers: Orphanet 3449, MedGen C4552002, MONDO:0010194, OMIM 277600.

Allele frequency attached by ClinVar (database versions not stated): gnomAD exomes below 0.00001; gnomAD 0.00001.
gnomAD v4.1: 2 of 1,613,966 alleles (0.00012%); highest among the groups gnomAD compares: African/African-American, 0.0013%; no homozygotes.

Submission:

Clinical Genomics Laboratory, Washington University in St. Louis
Classification: Uncertain significance for Weill-Marchesani syndrome 1. Last evaluated: 2024-05-03. Review status: criteria provided, single submitter. Criteria: ACMG Guidelines, 2015. Collection method: clinical testing. Allele origin: germline.
Comment: The ADAMTS10 c.1864C>T (p.Arg622Cys) variant, to our knowledge, has not been reported in the medical literature or in the ClinVar database. This variant is absent from the general population (gnomAD v.2.1.1), indicating it is not a common variant. Computational predictors suggest that the variant does not impact ADAMTS10 function. Due to limited information, and based on ACMG/AMP guidelines for variant interpretation (Richards S et al., PMID: 25741868), the clinical significance of this variant is uncertain at this time.

NM_030957.4(ADAMTS10):c.1864C>T (p.Arg622Cys)

Gene: ADAMTS10 (ADAM metallopeptidase with thrombospondin type 1 motif 10; minus strand). Cytogenetic location: 19p13.2.
Variant type: single nucleotide variant.
Coding change: c.1864C>T on transcript NM_030957.4 (MANE Select); coding-DNA position 1864, C replaced by T.
Protein change: p.Arg622Cys; replaces arginine 622 with cysteine.
Molecular consequence: missense variant. On other transcripts: synonymous variant (1).
Genome position (GRCh38, 1-based): chr19:8,589,925, G>A on the plus strand (C>T on the coding strand, the complement: ADAMTS10 is on the minus strand). VCF-style: chr19-8589925-G-A. GRCh37 (hg19) VCF-style: chr19-8654809-G-A.
Other names: c.336C>T, p.Ser112= (NM_001282352.2); short protein forms R622C.
Identifiers: ClinVar variation 3236588 (VCV003236588.1), dbSNP rs868976222, ClinGen allele CA403751090.
Genomic context (GRCh38, chr19:8,589,925, plus strand): 5'-CAGCCTTTGGAGTCCCACACTCACCTCCCCGGTACGTTTTCCACTTGTAGAATTTCCCAC[G>A]GAAAGGGATGCTGTCAAATTCAGAACACTGCACTTCTCTGAAGTCCTGGGAGCCAGGGGG-3'
Protein context (NP_112219.3, residues 612-632): QCSEFDSIPF[Arg622Cys]GKFYKWKTYR